The following is an entry in ClinVar:

NM_016008.4(DYNC2LI1):c.617T>C (p.Leu206Pro)

Gene: DYNC2LI1 (dynein cytoplasmic 2 light intermediate chain 1; plus strand). Cytogenetic location: 2p21.
Variant type: single nucleotide variant.
Coding change: c.617T>C on transcript NM_016008.4 (MANE Select); coding-DNA position 617, T replaced by C.
Protein change: p.Leu206Pro; replaces leucine 206 with proline.
Molecular consequence: missense variant.
Genome position (GRCh38, 1-based): chr2:43,796,758, T>C. VCF-style: chr2-43796758-T-C. GRCh37 (hg19) VCF-style: chr2-44023897-T-C.
Other names: c.620T>C, p.Leu207Pro (NM_001193464.2, NM_001348913.2); c.617T>C, p.Leu206Pro (NM_001348912.2); short protein forms L206P, L207P.
Identifiers: ClinVar variation 5006291 (VCV005006291.2).

ClinVar aggregate classification (germline): Uncertain significance (1 of 4 stars; one submission).

Conditions:
Short-rib thoracic dysplasia 15 with polydactyly (SRTD15). Identifiers: MedGen C4310724, MONDO:0014907, OMIM 617088.

Submission:

Juno Genomics, Hangzhou Juno Genomics, Inc
Classification: Uncertain significance for Short-rib thoracic dysplasia 15 with polydactyly. Review status: criteria provided, single submitter. Criteria: ACMG Guidelines, 2015. Collection method: clinical testing. Allele origin: germline.
Comment: Absent from controls (or at extremely low frequency if recessive) in Genome Aggregation Database.;Multiple lines of computational evidence support a deleterious effect on the gene or gene product.